The following is an entry in ClinVar:

ClinVar aggregate classification (germline): Likely benign. Review status: criteria provided, multiple submitters, no conflicts (2 of 4 stars). 2 submissions from 2 submitters: Likely benign (2). Last evaluated 2018-01-12.

Conditions:
Methylmalonic aciduria, cblA type (MACA). Also called: Methylmalonic aciduria, vitamin b12-responsive, due to defect in synthesis of adenosylcobalamin, cbla complementation type; MMA cbl A type; Methylmalonic acidemia cblA type; Methylmalonic aciduria, vitamin B12-responsive; Vitamin B12-responsive methylmalonic acidemia type cblA. Identifiers: Orphanet 28, Orphanet 79310, MedGen C1855109, MONDO:0009613, OMIM 251100.

Allele frequency attached by ClinVar (database versions not stated): 1000 Genomes Project 0.01118; 1000 Genomes Project 30x 0.01156; TOPMed 0.02422; gnomAD 0.02775 and 0.02803.

Submissions (2):

Illumina Laboratory Services, Illumina
Classification: Likely benign for Methylmalonic aciduria, cblA type. Last evaluated: 2018-01-12. Review status: criteria provided, single submitter. Criteria: ICSL Variant Classification Criteria 13 December 2019. Collection method: clinical testing. Allele origin: germline.
Comment: This variant was observed in the ICSL laboratory as part of a predisposition screen in an ostensibly healthy population. It had not been previously curated by ICSL or reported in the Human Gene Mutation Database (HGMD: prior to June 1st, 2018), and was therefore a candidate for classification through an automated scoring system. Utilizing variant allele frequency, disease prevalence and penetrance estimates, and inheritance mode, an automated score was calculated to assess if this variant is too frequent to cause the disease. Based on the score and internal cut-off values, a variant classified as likely benign is not then subjected to further curation. The score for this variant resulted in a classification of likely benign for this disease.

Breakthrough Genomics
Classification: Likely benign. Review status: criteria provided, single submitter. Criteria: ACMG Guidelines, 2015. Collection method: not provided. Allele origin: germline. Inheritance: Autosomal recessive inheritance. Affected: yes.

NM_172250.3(MMAA):c.*2364A>G

Gene: MMAA (metabolism of cobalamin associated A; plus strand). Cytogenetic location: 4q31.21.
Variant type: single nucleotide variant.
Coding change: c.*2364A>G on transcript NM_172250.3 (MANE Select); 2364 bases downstream of the stop codon, A replaced by G.
Molecular consequence: 3 prime UTR variant.
Genome position (GRCh38, 1-based): chr4:145,657,798, A>G. VCF-style: chr4-145657798-A-G. GRCh37 (hg19) VCF-style: chr4-146578950-A-G.
Identifiers: ClinVar variation 347641 (VCV000347641.6), dbSNP rs13129907, ClinGen allele CA10617997.